The following is an entry in ClinVar:

ClinVar aggregate classification (germline): Likely pathogenic. Review status: criteria provided, multiple submitters, no conflicts (2 of 4 stars). 2 submissions from 2 submitters: Likely pathogenic (2). Last evaluated 2023-08-03.

Conditions:
Lissencephaly due to TUBA1A mutation (CDCBM16). Also called: CORTICAL DYSPLASIA, COMPLEX, WITH OTHER BRAIN MALFORMATIONS 16; Lissencephaly 3. Identifiers: Orphanet 171680, MedGen C4305153, MONDO:0012703, OMIM 611603.

Submissions (2):

GeneDx
Classification: Likely pathogenic. Last evaluated: 2023-08-03. Review status: criteria provided, single submitter. Criteria: GeneDx Variant Classification Process June 2021. Collection method: clinical testing. Allele origin: germline. Affected: yes.
Comment: Not observed at significant frequency in large population cohorts (gnomAD); Missense variants in this gene are often considered pathogenic (HGMD); In silico analysis supports that this missense variant has a deleterious effect on protein structure/function; Has not been previously published as pathogenic or benign to our knowledge; This variant is associated with the following publications: (PMID: 24860126)

Johns Hopkins Genomics, Johns Hopkins University
Classification: Likely pathogenic for Lissencephaly due to TUBA1A mutation. Last evaluated: 2021-12-13. Review status: criteria provided, single submitter. Criteria: ACMG Guidelines, 2015. Collection method: clinical testing. Allele origin: germline.

Literature cited by the submitters: PubMed 24860126 (cited by Johns Hopkins Genomics, Johns Hopkins University).

NM_006009.4(TUBA1A):c.539C>T (p.Ala180Val)

Gene: TUBA1A (tubulin alpha 1a; minus strand). Cytogenetic location: 12q13.12.
Variant type: single nucleotide variant.
Coding change: c.539C>T on transcript NM_006009.4 (MANE Select); coding-DNA position 539, C replaced by T.
Protein change: p.Ala180Val; replaces alanine 180 with valine.
Molecular consequence: missense variant.
Genome position (GRCh38, 1-based): chr12:49,185,827, G>A on the plus strand (C>T on the coding strand, the complement: TUBA1A is on the minus strand). VCF-style: chr12-49185827-G-A. GRCh37 (hg19) VCF-style: chr12-49579610-G-A.
Other names: c.539C>T (NM_006009.2); c.539C>T, p.Ala180Val (NM_001270399.2); c.434C>T, p.Ala145Val (NM_001270400.2); short protein forms A145V, A180V.
Identifiers: ClinVar variation 1331729 (VCV001331729.2), dbSNP rs2121244643, ClinGen allele CA384641867.